The following is an entry in ClinVar:

ClinVar aggregate classification (germline): Uncertain significance. Review status: criteria provided, multiple submitters, no conflicts (2 of 4 stars). 2 submissions from 2 submitters: Uncertain significance (2). Last evaluated 2025-02-05.

Conditions:
Epidermolysis bullosa simplex 5B, with muscular dystrophy (EBS5B). Also called: Epidermolysis bullosa simplex with muscular dystrophy; EPIDERMOLYSIS BULLOSA SIMPLEX AND LIMB-GIRDLE MUSCULAR DYSTROPHY. Identifiers: Orphanet 257, MedGen C2931072, MONDO:0009181, OMIM 226670.
Epidermolysis bullosa simplex 5C, with pyloric atresia (EBS5C). Also called: Epidermolysis bullosa simplex with pyloric atresia; PLEC-Related Epidermolysis Bullosa with Pyloric Atresia; PLEC1-Related Epidermolysis Bullosa with Pyloric Atresia. Identifiers: Orphanet 158684, MedGen C2677349, MONDO:0012807, OMIM 612138.
Epidermolysis bullosa simplex with nail dystrophy (EBS5D). Identifiers: MedGen C4225309, MONDO:0014661, OMIM 616487.
Autosomal recessive limb-girdle muscular dystrophy type 2Q (LGMDR17). Also called: MUSCULAR DYSTROPHY, LIMB-GIRDLE, AUTOSOMAL RECESSIVE 17. Identifiers: Orphanet 254361, MedGen C3150989, MONDO:0013390, OMIM 613723.
Epidermolysis bullosa simplex, Ogna type (EBS5A). Also called: Pidermolysis bullosa simplex 5A, Ogna type; EPIDERMOLYSIS BULLOSA SIMPLEX 5A, OGNA TYPE. Identifiers: Orphanet 79401, MedGen C0432317, MONDO:0007555, OMIM 131950.
Inborn genetic diseases. Identifiers: MedGen C0950123, MeSH D030342.

Submissions (2):

Labcorp Genetics (formerly Invitae), Labcorp
Classification: Uncertain significance for Autosomal recessive limb-girdle muscular dystrophy type 2Q; Epidermolysis bullosa simplex, Ogna type; Epidermolysis bullosa simplex with nail dystrophy; Epidermolysis bullosa simplex 5C, with pyloric atresia; Epidermolysis bullosa simplex 5B, with muscular dystrophy. Last evaluated: 2025-02-05. Review status: criteria provided, single submitter. Criteria: Invitae Variant Classification Sherloc (09022015). Collection method: clinical testing. Allele origin: germline.
Comment: This sequence change replaces valine, which is neutral and non-polar, with leucine, which is neutral and non-polar, at codon 3514 of the PLEC protein (p.Val3514Leu). This variant is not present in population databases (gnomAD no frequency). This variant has not been reported in the literature in individuals affected with PLEC-related conditions. ClinVar contains an entry for this variant (Variation ID: 2606304). Invitae Evidence Modeling of protein sequence and biophysical properties (such as structural, functional, and spatial information, amino acid conservation, physicochemical variation, residue mobility, and thermodynamic stability) indicates that this missense variant is not expected to disrupt PLEC protein function with a negative predictive value of 80%. In summary, the available evidence is currently insufficient to determine the role of this variant in disease. Therefore, it has been classified as a Variant of Uncertain Significance.

Ambry Genetics
Classification: Uncertain significance for Inborn genetic diseases. Last evaluated: 2023-06-26. Review status: criteria provided, single submitter. Criteria: Ambry Variant Classification Scheme 2023. Collection method: clinical testing. Allele origin: germline.

NM_201384.3(PLEC):c.10459G>T (p.Val3487Leu)

Gene: PLEC (plectin; minus strand). Cytogenetic location: 8q24.3.
Variant type: single nucleotide variant.
Coding change: c.10459G>T on transcript NM_201384.3 (MANE Select); coding-DNA position 10459, G replaced by T.
Protein change: p.Val3487Leu; replaces valine 3487 with leucine.
Molecular consequence: missense variant.
Genome position (GRCh38, 1-based): chr8:143,919,362, C>A on the plus strand (G>T on the coding strand, the complement: PLEC is on the minus strand). VCF-style: chr8-143919362-C-A. GRCh37 (hg19) VCF-style: chr8-144993530-C-A.
Other names: c.10540G>T, p.Val3514Leu (NM_000445.5); c.7159G>T, p.Val2387Leu (NM_001410941.1); c.10417G>T, p.Val3473Leu (NM_201378.4); c.10393G>T, p.Val3465Leu (NM_201379.3); c.10870G>T, p.Val3624Leu (NM_201380.4); c.10363G>T, p.Val3455Leu (NM_201381.3); c.10459G>T, p.Val3487Leu (NM_201382.4); c.10471G>T, p.Val3491Leu (NM_201383.3); short protein forms V2387L, V3455L, V3465L, V3473L, V3491L, V3487L, V3514L, V3624L.
Identifiers: ClinVar variation 2606304 (VCV002606304.4), dbSNP rs202001247, ClinGen allele CA372498802.